The following is an entry in ClinVar:

ClinVar aggregate classification (germline): Uncertain significance (1 of 4 stars; one submission).

Conditions:
Achondrogenesis, type IA (ACG1A). Identifiers: Orphanet 932, Orphanet 93299, MedGen C0265273, MONDO:0008701, OMIM 200600.

Allele frequency attached by ClinVar (database versions not stated): gnomAD exomes below 0.00001; TOPMed 0.00001.

Submission:

Labcorp Genetics (formerly Invitae), Labcorp
Classification: Uncertain significance for Achondrogenesis, type IA. Last evaluated: 2022-05-26. Review status: criteria provided, single submitter. Criteria: Invitae Variant Classification Sherloc (09022015). Collection method: clinical testing. Allele origin: germline.
Comment: In summary, the available evidence is currently insufficient to determine the role of this variant in disease. Therefore, it has been classified as a Variant of Uncertain Significance. Algorithms developed to predict the effect of missense changes on protein structure and function are either unavailable or do not agree on the potential impact of this missense change (SIFT: "Not Available"; PolyPhen-2: "Probably Damaging"; Align-GVGD: "Not Available"). This variant has not been reported in the literature in individuals affected with TRIP11-related conditions. This variant is not present in population databases (gnomAD no frequency). This sequence change replaces leucine, which is neutral and non-polar, with serine, which is neutral and polar, at codon 1645 of the TRIP11 protein (p.Leu1645Ser).

NM_004239.4(TRIP11):c.4934T>C (p.Leu1645Ser)

Gene: TRIP11 (thyroid hormone receptor interactor 11; minus strand). Cytogenetic location: 14q32.12.
Variant type: single nucleotide variant.
Coding change: c.4934T>C on transcript NM_004239.4 (MANE Select); coding-DNA position 4934, T replaced by C.
Protein change: p.Leu1645Ser; replaces leucine 1645 with serine.
Molecular consequence: missense variant.
Genome position (GRCh38, 1-based): chr14:91,995,474, A>G on the plus strand (T>C on the coding strand, the complement: TRIP11 is on the minus strand). VCF-style: chr14-91995474-A-G. GRCh37 (hg19) VCF-style: chr14-92461818-A-G.
Other names: c.4931T>C, p.Leu1644Ser (NM_001321851.1); short protein forms L1644S, L1645S.
Identifiers: ClinVar variation 2069295 (VCV002069295.4), dbSNP rs201946016, ClinGen allele CA265601074.
Genomic context (GRCh38, chr14:91,995,474, plus strand): 5'-TGTTCCTGAGAGACAGAAAGCTGCAGCGCAGTTTCATCCCTTTGCTTGGAAACTACATTC[A>G]ACTGTTCTTGCAATGACTCTACCTGCACACTGGCTTGATGGCTTCAAACAAAAAGAATAA-3'
Protein context (NP_004230.2, residues 1635-1655): SVQVESLQEQ[Leu1645Ser]NVVSKQRDET